The following is an entry in ClinVar:

ClinVar aggregate classification (germline): Pathogenic (1 of 4 stars; one submission).

Conditions:
Early-infantile DEE. Also called: Early infantile epileptic encephalopathy; Early infantile epileptic encephalopathy with suppression bursts; Ohtahara syndrome. Identifiers: Orphanet 1934, MedGen C0393706, MONDO:0800491.

Submission:

Labcorp Genetics (formerly Invitae), Labcorp
Classification: Pathogenic for Early-infantile DEE. Last evaluated: 2023-07-07. Review status: criteria provided, single submitter. Criteria: Invitae Variant Classification Sherloc (09022015). Collection method: clinical testing. Allele origin: germline.
Comment: For these reasons, this variant has been classified as Pathogenic. This variant disrupts a region of the SCN1A protein in which other variant(s) (p.Arg1886*) have been determined to be pathogenic (PMID: 17054684, 17347258, 18930999, 22409937). This suggests that this is a clinically significant region of the protein, and that variants that disrupt it are likely to be disease-causing. This variant has not been reported in the literature in individuals affected with SCN1A-related conditions. This variant is not present in population databases (gnomAD no frequency). This sequence change creates a premature translational stop signal (p.Val1761Trpfs*33) in the SCN1A gene. While this is not anticipated to result in nonsense mediated decay, it is expected to disrupt the last 249 amino acid(s) of the SCN1A protein.

Literature cited by the submitters: PubMed 17054684; PubMed 17347258; PubMed 18930999; PubMed 22409937.

NM_001165963.4(SCN1A):c.5281_5282del (p.Val1761fs)

Genes: SCN1A (sodium voltage-gated channel alpha subunit 1; minus strand), LOC102724058 (uncharacterized LOC102724058; plus strand). Cytogenetic location: 2q24.3.
Variant type: Deletion.
Coding change: c.5281_5282del on transcript NM_001165963.4 (MANE Select); coding-DNA positions 5281 to 5282, 2 bases deleted (GT; older notation c.5281_5282delGT).
Protein change: p.Val1761fs; shifts the reading frame from valine 1761.
Molecular consequence: frameshift variant. On other transcripts: non-coding transcript variant (1).
Genome position (GRCh38, 1-based): chr2:165,991,993-165,991,994, AC deleted on the plus strand (GT on the coding strand, the reverse complement: SCN1A is on the minus strand); deleting any 2 consecutive bases within chr2:165,991,993-165,991,995 gives the same sequence; the c. name uses the placement nearest the transcript's 3' end. VCF-style (leftmost placement, unchanged base first): chr2-165991992-AAC-A. GRCh37 (hg19) VCF-style: chr2-166848502-AAC-A.
Other names: c.5197_5198del, p.Val1733fs (NM_001165964.3, NM_001353957.2, NM_001353958.2); c.5281_5282del, p.Val1761fs (NM_001202435.3, NM_001353948.2); c.5248_5249del, p.Val1750fs (NM_001353949.2, NM_001353950.2, NM_001353951.2 and 2 more transcripts); c.5245_5246del, p.Val1749fs (NM_001353954.2, NM_001353955.2); c.5194_5195del, p.Val1732fs (NM_001353960.2); c.2839_2840del, p.Val947fs (NM_001353961.2); short protein forms V1732fs, V1749fs, V1733fs, V1750fs, V1761fs, V947fs.
Identifiers: ClinVar variation 2726761 (VCV002726761.3), dbSNP rs2468334417, ClinGen allele CA2697551212.